The following is an entry in ClinVar:

ClinVar aggregate classification (germline): Pathogenic. Review status: reviewed by expert panel (3 of 4 stars). 3 submissions from 3 submitters: Pathogenic (1). 2 of the submissions do not count toward it. Last evaluated 2024-10-04.

Conditions:
Glycogen storage disease, type II (IOPD). Also called: GLYCOGENOSIS, GENERALIZED, CARDIAC FORM; GSD II; Glucosidase acid-1,4-alpha deficiency; Pompe Disease; POMPE DISEASE, INFANTILE-ONSET; GLYCOGEN STORAGE DISEASE II, INFANTILE-ONSET. Identifiers: Orphanet 365, MedGen C0017921, MONDO:0009290, OMIM 232300.

Allele frequency attached by ClinVar (database versions not stated): gnomAD exomes below 0.00001.
gnomAD v4.1: 1 of 1,609,306 alleles (0.000062%); highest among the groups gnomAD compares: Non-Finnish European, 0.000085%; no homozygotes.

Submissions (3):

ClinGen Lysosomal Storage Disorder Variant Curation Expert Panel
Classification: Pathogenic for Glycogen storage disease, type II. Last evaluated: 2024-10-04. Review status: reviewed by expert panel. Criteria: clingen_lsd_acmg_specifications_v2-1. Collection method: curation. Allele origin: germline. Inheritance: Autosomal recessive inheritance.
Comment: The NM_000152.5:c.1437+2T>C variant alters the donor consensus splice site of intron 9 of GAA. Sequencing of fibroblast cDNA from a patient who is compound heterozygous for the variant revealed skipping of exon 9. Exon 9 skipping is predicted to result in loss of amino acids 443-479; this region of the protein forms part of the GAA catalytic barrel)(amino acids 347-727) (Kroos et al, 2012, PMID 22253258; Deming et al, 2017; DOI 10.1101/212837) (PVS1_Strong). At least 3 patients with symptoms consistent with Pompe disease have been reported with this variant. Two of them are reported to have deficient GAA activity. However, the values were not provided (PMID: 11343339, 18429042, 29122469, 31392188) (insufficient evidence to apply PP4). At least 3 patients with symptoms consistent with Pompe disease have been reported with this variant. Two of them are reported to have deficient GAA activity. However, the values were not provided (PMID: 11343339, 18429042, 29122469, 31392188) (insufficient evidence to apply PP4). All three patients are compound heterozygous for the variant and another variant in GAA that has been classified as pathogenic by the ClinGen LD VCEP. This includes c.-32-13T>G (ClinVar variation ID: 4027) (phase unconfirmed, 0.5 points) (PMID: 29122469, 31392188), c.525delT (ClinVar Variation ID: 4033, SCV001443331.1) (phase unconfirmed, 0.5 points) (PMID: 18429042), and c.1551+1G>C (ClinVar Variation ID: 554983) (confirmed in trans by parental testing, 1 point) (PMID: 11343339). Total 2 points (PM3_Strong). The variant is absent in gnomAD v2.1.1. The highest population minor allele frequency in gnomAD v4.1.0. is 8.489e-7 (1/1177976 alleles) in the European non-Finnish population, which is lower than the ClinGen Lysosomal Diseases VCEP’s threshold for PM2_Supporting (<0.001), meeting this criterion (PM2_Supporting). Other variants in the consensus sequence of this donor splice site have been reported in patients with Pompe disease including c.1437+1G>A (PMID: 22252923) and c.1437G>A (PMID: 26160551). These variant have not yet been classified by the ClinGen LD VCEP. There is a ClinVar entry for this variant. In summary, this variant meets the criteria to be classified as pathogenic for Pompe disease. GAA-specific ACMG/AMP criteria met, as specified by the ClinGen Lysosomal Diseases Variant Curation Expert Panel (Specifications Version 2.0): PVS1_Strong, PM3_Strong, PM2_Supporting. (Classification approved by the ClinGen Lysosomal Diseases Variant Curation Expert Panel on October 4, 2024)

Genomenon, Inc
Classification: Pathogenic for Glycogen storage disease, type II. Last evaluated: 2026-07-01. Review status: criteria provided, single submitter. Criteria: Genomenon Sequence Variant Interpretation Standards - Updated. Collection method: curation. Allele origin: germline. Affected: yes. Not counted in ClinVar's aggregate classification.
Comment: GAA c.1437+2T>C is a canonical splice variant affecting the donor splice site of intron 9. It is predicted to affect mRNA splicing, leading to a deleterious effect on the GAA protein. This variant has been observed in at least one proband with a GAA-related disorder in the compound heterozygous and/or homozygous state (PMID:39273088;31710733;31392188;30214072;18429042). At least one splicing study has demonstrated that this variant results in aberrant splicing (PMID:11343339). It is absent or not present at a significant frequency in gnomAD. In conclusion, we classify GAA c.1437+2T>C as a pathogenic variant.

Labcorp Genetics (formerly Invitae), Labcorp
Classification: Pathogenic for Glycogen storage disease, type II. Last evaluated: 2024-12-31. Review status: criteria provided, single submitter. Criteria: Invitae Variant Classification Sherloc (09022015). Collection method: clinical testing. Allele origin: germline. Not counted in ClinVar's aggregate classification.
Comment: This sequence change affects a donor splice site in intron 9 of the GAA gene. RNA analysis indicates that disruption of this splice site induces altered splicing and likely results in a shortened protein product. This variant is not present in population databases (gnomAD no frequency). Disruption of this splice site has been observed in individual(s) with Pompe disease (PMID: 11343339, 18429042). In at least one individual the data is consistent with being in trans (on the opposite chromosome) from a pathogenic variant. ClinVar contains an entry for this variant (Variation ID: 849313). Studies have shown that disruption of this splice site results in skipping of exon 9, but is expected to preserve the integrity of the reading-frame (PMID: 11343339). For these reasons, this variant has been classified as Pathogenic.

Literature cited by the submitters: PubMed 39273088 (cited by Genomenon, Inc); PubMed 31710733 (cited by Genomenon, Inc); PubMed 31392188 (cited by Genomenon, Inc); PubMed 30214072 (cited by Genomenon, Inc); PubMed 18429042 (cited by Genomenon, Inc and Labcorp Genetics (formerly Invitae), Labcorp); PubMed 11343339 (cited by Genomenon, Inc and Labcorp Genetics (formerly Invitae), Labcorp).

NM_000152.5(GAA):c.1437+2T>C

Gene: GAA (alpha glucosidase; plus strand). Cytogenetic location: 17q25.3.
Variant type: single nucleotide variant.
Coding change: c.1437+2T>C on transcript NM_000152.5 (MANE Select); the canonical splice donor site of the intron after coding-DNA position 1437, T replaced by C.
Molecular consequence: splice donor variant.
Genome position (GRCh38, 1-based): chr17:80,110,057, T>C. VCF-style: chr17-80110057-T-C. GRCh37 (hg19) VCF-style: chr17-78083856-T-C.
Other names: c.1437+2T>C (NM_001406741.1, NM_001406742.1, NM_001079803.3 and 1 more transcripts).
Identifiers: ClinVar variation 849313 (VCV000849313.10), dbSNP rs1598580407, ClinGen allele CA401366685.